The following is an entry in ClinVar:

ClinVar aggregate classification (germline): Conflicting classifications of pathogenicity. Review status: criteria provided, conflicting classifications (1 of 4 stars). 2 submissions from 2 submitters: Uncertain significance (1); Likely benign (1). Last evaluated 2025-10-23.

Conditions:
Progressive familial heart block type IB (PFHB1B). Identifiers: Orphanet 871, MedGen C1970298, MONDO:0011474, OMIM 604559.
Cardiovascular phenotype. Identifiers: MedGen CN230736.

Submissions (2):

Ambry Genetics
Classification: Likely benign for Cardiovascular phenotype. Last evaluated: 2025-10-23. Review status: criteria provided, single submitter. Criteria: Ambry Variant Classification Scheme 2023. Collection method: clinical testing. Allele origin: germline.

Labcorp Genetics (formerly Invitae), Labcorp
Classification: Uncertain significance for Progressive familial heart block type IB. Last evaluated: 2022-06-27. Review status: criteria provided, single submitter. Criteria: Invitae Variant Classification Sherloc (09022015). Collection method: clinical testing. Allele origin: germline.
Comment: In summary, the available evidence is currently insufficient to determine the role of this variant in disease. Therefore, it has been classified as a Variant of Uncertain Significance. Algorithms developed to predict the effect of missense changes on protein structure and function output the following: SIFT: "Tolerated"; PolyPhen-2: "Benign"; Align-GVGD: "Class C0". The glutamine amino acid residue is found in multiple mammalian species, which suggests that this missense change does not adversely affect protein function. ClinVar contains an entry for this variant (Variation ID: 849032). This variant has not been reported in the literature in individuals affected with TRPM4-related conditions. This variant is not present in population databases (gnomAD no frequency). This sequence change replaces arginine, which is basic and polar, with glutamine, which is neutral and polar, at codon 1177 of the TRPM4 protein (p.Arg1177Gln).

NM_017636.4(TRPM4):c.3530G>A (p.Arg1177Gln)

Gene: TRPM4 (transient receptor potential cation channel subfamily M member 4; plus strand). Cytogenetic location: 19q13.33.
Variant type: single nucleotide variant.
Coding change: c.3530G>A on transcript NM_017636.4 (MANE Select); coding-DNA position 3530, G replaced by A.
Protein change: p.Arg1177Gln; replaces arginine 1177 with glutamine.
Molecular consequence: missense variant.
Genome position (GRCh38, 1-based): chr19:49,211,083, G>A. VCF-style: chr19-49211083-G-A. GRCh37 (hg19) VCF-style: chr19-49714340-G-A.
Other names: c.3095G>A, p.Arg1032Gln (NM_001195227.2); c.3185G>A, p.Arg1062Gln (NM_001321281.2); c.1922G>A, p.Arg641Gln (NM_001321282.2); c.3008G>A, p.Arg1003Gln (NM_001321283.2); c.2468G>A, p.Arg823Gln (NM_001321285.2); short protein forms R1062Q, R1003Q, R1032Q, R1177Q, R641Q, R823Q.
Identifiers: ClinVar variation 849032 (VCV000849032.10), dbSNP rs1969347580, ClinGen allele CA406773497.